The following is an entry in ClinVar:

ClinVar aggregate classification (germline): Uncertain significance (1 of 4 stars; one submission).

Submission:

Women's Health and Genetics/Laboratory Corporation of America, LabCorp
Classification: Uncertain significance. Last evaluated: 2025-10-28. Review status: criteria provided, single submitter. Criteria: LabCorp Variant Classification Summary - May 2015. Collection method: clinical testing. Allele origin: germline.
Comment: Variant summary: SOX2 c.41C>G (p.Pro14Arg) results in a non-conservative amino acid change in the encoded protein sequence. Algorithms developed to predict the effect of missense changes on protein structure and function all suggest that this variant is likely to be disruptive. The variant was absent in 198200 control chromosomes. The available data on variant occurrences in the general population are insufficient to allow any conclusion about variant significance. To our knowledge, no occurrence of c.41C>G in individuals affected with SOX2-related conditions and no experimental evidence demonstrating its impact on protein function have been reported. No submitters have cited clinical-significance assessments for this variant to ClinVar. Based on the evidence outlined above, the variant was classified as uncertain significance.

NM_003106.4(SOX2):c.41C>G (p.Pro14Arg)

Genes: SOX2 (SRY-box transcription factor 2; plus strand), SOX2-OT (SOX2 overlapping transcript; plus strand), LOC108281177 (SOX2 5' regulatory region; plus strand). Cytogenetic location: 3q26.33.
Variant type: single nucleotide variant.
Coding change: c.41C>G on transcript NM_003106.4 (MANE Select); coding-DNA position 41, C replaced by G.
Protein change: p.Pro14Arg; replaces proline 14 with arginine.
Molecular consequence: missense variant.
Genome position (GRCh38, 1-based): chr3:181,712,401, C>G. VCF-style: chr3-181712401-C-G. GRCh37 (hg19) VCF-style: chr3-181430189-C-G.
Other names: short protein forms P14R.
Identifiers: ClinVar variation 4687695 (VCV004687695.1).